The following is an entry in ClinVar:

ClinVar aggregate classification (germline): Pathogenic. Review status: criteria provided, multiple submitters, no conflicts (2 of 4 stars). 5 submissions from 5 submitters: Pathogenic (5). Last evaluated 2025-08-25.

Conditions:
Vici syndrome (VICIS). Identifiers: Orphanet 1493, MedGen C1855772, MONDO:0009452, OMIM 242840.

Allele frequency attached by ClinVar (database versions not stated): TOPMed 0.00002; ExAC 0.00003; gnomAD exomes 0.00003.
gnomAD v4.1: 7 of 1,530,852 alleles (0.00046%); highest among the groups gnomAD compares: Admixed American, 0.016%; no homozygotes.

Submissions (5):

Daryl Scott Lab, Baylor College of Medicine
Classification: Pathogenic for Vici syndrome. Last evaluated: 2025-08-25. Review status: criteria provided, single submitter. Criteria: ACMG Guidelines, 2015. Collection method: clinical testing. Allele origin: biparental. Affected: yes.
Comment: PVS1, PM2, PP1

3billion
Classification: Pathogenic for Vici syndrome. Last evaluated: 2025-07-19. Review status: criteria provided, single submitter. Criteria: ACMG Guidelines, 2015. Collection method: clinical testing. Allele origin: germline. Affected: yes.
Comment: The variant is observed at an extremely low frequency in the gnomAD v4.1.0 dataset (total allele frequency: <0.001%). Predicted Consequence/Location: Stop-gained (nonsense): predicted to result in a loss or disruption of normal protein function through nonsense-mediated decay (NMD) or protein truncation. Multiple pathogenic variants are reported downstream of the variant. The variant has been reported at least twice as pathogenic with clinical assertions and evidence for the classification (ClinVar ID: VCV000839415 /PMID: 26854214). Therefore, this variant is classified as Pathogenic according to the recommendation of ACMG/AMP guideline.

Labcorp Genetics (formerly Invitae), Labcorp
Classification: Pathogenic for Vici syndrome. Last evaluated: 2024-06-19. Review status: criteria provided, single submitter. Criteria: Invitae Variant Classification Sherloc (09022015). Collection method: clinical testing. Allele origin: germline.
Comment: This sequence change creates a premature translational stop signal (p.Gln906*) in the EPG5 gene. It is expected to result in an absent or disrupted protein product. Loss-of-function variants in EPG5 are known to be pathogenic (PMID: 23222957, 23674064). This variant is present in population databases (rs756503608, gnomAD 0.03%). This premature translational stop signal has been observed in individual(s) with Vici syndrome associated with idiopathic thrombocytopenic purpura (ITP) (PMID: 26854214). It has also been observed to segregate with disease in related individuals. ClinVar contains an entry for this variant (Variation ID: 839415). For these reasons, this variant has been classified as Pathogenic.

GeneDx
Classification: Pathogenic. Last evaluated: 2023-12-15. Review status: criteria provided, single submitter. Criteria: GeneDx Variant Classification Process June 2021. Collection method: clinical testing. Allele origin: germline. Affected: yes.
Comment: Nonsense variant predicted to result in protein truncation or nonsense mediated decay in a gene for which loss of function is a known mechanism of disease; This variant is associated with the following publications: (PMID: 26854214, 31216405)

Baylor Genetics
Classification: Pathogenic for Vici syndrome. Last evaluated: 2018-11-08. Review status: criteria provided, single submitter. Criteria: ACMG Guidelines, 2015. Collection method: clinical testing. Allele origin: paternal. Affected: yes.
Comment: This variant was determined to be pathogenic according to ACMG Guidelines, 2015 [PMID:25741868]. This variant has been previously reported as disease causing [PMID 26854214]

Literature cited by the submitters: PubMed 26854214 (cited by 3 submitters); PubMed 23222957 (cited by Labcorp Genetics (formerly Invitae), Labcorp); PubMed 23674064 (cited by Labcorp Genetics (formerly Invitae), Labcorp).

NM_020964.3(EPG5):c.2716C>T (p.Gln906Ter)

Gene: EPG5 (ectopic P-granules 5 autophagy tethering factor; minus strand). Cytogenetic location: 18q21.1.
Variant type: single nucleotide variant.
Coding change: c.2716C>T on transcript NM_020964.3 (MANE Select); coding-DNA position 2716, C replaced by T.
Protein change: p.Gln906Ter; replaces glutamine 906 with a stop codon.
Molecular consequence: nonsense.
Genome position (GRCh38, 1-based): chr18:45,925,740, G>A on the plus strand (C>T on the coding strand, the complement: EPG5 is on the minus strand). VCF-style: chr18-45925740-G-A. GRCh37 (hg19) VCF-style: chr18-43505706-G-A.
Other names: short protein forms Q906*.
Identifiers: ClinVar variation 839415 (VCV000839415.17), dbSNP rs756503608, ClinGen allele CA8949360.
Genomic context (GRCh38, chr18:45,925,740, plus strand): 5'-TCTTTGAAACAGATGCATGTACAACCTCCAGTCTCCAGGGAATGGTTTGAACACATACCT[G>A]TTTAGCAAATCCCCAATTCAGTCCTTCAAGAATAACACAGGCCAGTTTATTCTTCACCAC-3'